The following is an entry in ClinVar:

NM_000138.5(FBN1):c.347-2A>G

Gene: FBN1 (fibrillin 1; minus strand). Cytogenetic location: 15q21.1.
Variant type: single nucleotide variant.
Coding change: c.347-2A>G on transcript NM_000138.5 (MANE Select); the canonical splice acceptor site of the intron before coding-DNA position 347, A replaced by G.
Molecular consequence: splice acceptor variant.
Genome position (GRCh38, 1-based): chr15:48,600,236, T>C on the plus strand (A>G on the coding strand, the complement: FBN1 is on the minus strand). VCF-style: chr15-48600236-T-C. GRCh37 (hg19) VCF-style: chr15-48892433-T-C.
Other names: c.347-2A>G (NM_001406716.1, NM_001406717.1).
Identifiers: ClinVar variation 519716 (VCV000519716.13), dbSNP rs1555405056, ClinGen allele CA392446647.

ClinVar aggregate classification (germline): Pathogenic/Likely pathogenic. Review status: criteria provided, multiple submitters, no conflicts (2 of 4 stars). 4 submissions from 4 submitters: Pathogenic (2); Likely pathogenic (1). 1 of the submissions does not count toward it. Last evaluated 2025-06-03.

Conditions:
Familial thoracic aortic aneurysm and aortic dissection (TAAD). Also called: Thoracic aortic aneurysms and dissections. Identifiers: Orphanet 91387, MedGen C4707243, MONDO:0019625.
Marfan syndrome (MFS). Also called: Marfan syndrome type 1; Marfan syndrome, classic; Marfan's syndrome; FBN1-Related Marfan Syndrome; MARFAN SYNDROME, TYPE I. Identifiers: Orphanet 284963, Orphanet 558, MedGen C0024796, MONDO:0007947, OMIM 154700.

Allele frequency attached by ClinVar (database versions not stated): gnomAD 0.00001; TOPMed below 0.00001.

Submissions (4):

Labcorp Genetics (formerly Invitae), Labcorp
Classification: Pathogenic for Marfan syndrome; Familial thoracic aortic aneurysm and aortic dissection. Last evaluated: 2025-06-03. Review status: criteria provided, single submitter. Criteria: Invitae Variant Classification Sherloc (09022015). Collection method: clinical testing. Allele origin: germline.
Comment: This sequence change affects an acceptor splice site in intron 4 of the FBN1 gene. RNA analysis indicates that disruption of this splice site induces altered splicing and may result in an absent or altered protein product. This variant is not present in population databases (gnomAD no frequency). Disruption of this splice site has been observed in individuals with Marfan syndrome (PMID: 19618372; internal data). ClinVar contains an entry for this variant (Variation ID: 519716). Studies have shown that disruption of this splice site results in altered splicing, and produces a non-functional protein and/or introduces a premature termination codon (PMID: 19618372). For these reasons, this variant has been classified as Pathogenic.

Laboratory for Molecular Medicine, Mass General Brigham Personalized Medicine
Classification: Likely pathogenic for Marfan syndrome. Last evaluated: 2019-04-17. Review status: criteria provided, single submitter. Criteria: ACMG Guidelines, 2015. Collection method: clinical testing. Allele origin: germline. Inheritance: Autosomal dominant inheritance.
Comment: The c.347-2A>G variant in FBN1 has been previously reported in 1 individual with Marfan syndrome, segregated with disease in 1 affected family member (Magyar 2009), and was absent from large population studies. This variant has also been reported in ClinVar (Variation ID 519716). This variant occurs in the invariant region (+/- 1,2) of the splice consensus sequence and is predicted to cause altered splicing leading to an abnormal or absent protein. Furthermore, in vivo functional studies suggest the creation of an alternate splice site leading to a frameshift (Magyar 2009). In summary, although additional studies are required to fully establish its clinical significance, the c.347-2A>G variant meets criteria to be classified as likely pathogenic for autosomal dominant Marfan syndrome. ACMG/AMP Criteria applied: PVS1_Strong, PM2, PS3_Supporting, PS4_Supporting.

Ambry Genetics
Classification: Pathogenic for Familial thoracic aortic aneurysm and aortic dissection. Last evaluated: 2017-07-23. Review status: criteria provided, single submitter. Criteria: Ambry Variant Classification Scheme 2023. Collection method: clinical testing. Allele origin: germline.
Comment: The c.347-2A>G intronic pathogenic mutation results from an A to G substitution two nucleotides upstream from coding exon 4 in the FBN1 gene. This alteration was previously described in a family with Marfan syndrome (Magyar I et al. Hum Mutat. 2009;30(9):1355-64), and in the same study, mRNA analysis demonstrated aberrant splicing causing a frameshift with a predicted alternate stop codon. In addition to the clinical data presented in the literature, alterations that disrupt the canonical splice site are expected to cause aberrant splicing, resulting in an abnormal protein or a transcript that is subject to nonsense-mediated mRNA decay. As such, this alteration is classified as disease-causing mutation.

Center for Medical Genetics Ghent, University of Ghent
Classification: Likely pathogenic for Marfan syndrome. Last evaluated: 2017-11-07. Review status: no assertion criteria provided. Collection method: clinical testing. Allele origin: germline. Affected: yes. Not counted in ClinVar's aggregate classification.

Literature cited by the submitters: PubMed 19618372 (cited by 3 submitters).